The following is an entry in ClinVar:

ClinVar aggregate classification (germline): Benign/Likely benign. Review status: criteria provided, multiple submitters, no conflicts (2 of 4 stars). 5 submissions from 4 submitters: Benign (2); Likely benign (2). 1 of the submissions does not count toward it. Last evaluated 2026-01-26.

Conditions:
MYH3-related disorder. Also called: MYH3-Related Disorders; MYH3-related condition. Identifiers: MedGen CN239329.
Distal arthrogryposis type 2B1 (DA2B1). Also called: Arthrogryposis multiplex congenita distal type II with craniofacial abnormalities. Identifiers: Orphanet 1147, MedGen C5193014, MONDO:0020820, OMIM 601680.
Freeman-Sheldon syndrome (DA2A). Also called: CRANIOCARPOTARSAL DYSPLASIA; CRANIOCARPOTARSAL DYSTROPHY; WHISTLING FACE-WINDMILL VANE HAND SYNDROME; Arthrogryposis, distal, type 2A (Freeman-Sheldon). Identifiers: Orphanet 2053, MedGen C0265224, MONDO:0008675, OMIM 193700.

Allele frequency attached by ClinVar (database versions not stated): ESP Exome Variant Server 0.00008; gnomAD 0.00029 and 0.00050; TOPMed 0.00043; ExAC 0.00089; gnomAD exomes 0.00108; 1000 Genomes Project 30x 0.00375; 1000 Genomes Project 0.00399.
gnomAD v4.1: 473 of 1,614,050 alleles (0.029%); highest among the groups gnomAD compares: East Asian, 0.65%; 5 homozygotes.

Submissions (5):

Labcorp Genetics (formerly Invitae), Labcorp
Classification: Benign. Last evaluated: 2026-01-26. Review status: criteria provided, single submitter. Criteria: Invitae Variant Classification Sherloc (09022015). Collection method: clinical testing. Allele origin: germline.

Blueprint Genetics
Classification: Likely benign. Last evaluated: 2024-07-24. Review status: criteria provided, single submitter. Criteria: ACMG Guidelines, 2015. Collection method: clinical testing. Allele origin: germline.

Illumina Laboratory Services, Illumina
Classification: Likely benign for Distal arthrogryposis type 2B1. Last evaluated: 2018-01-13. Review status: criteria provided, single submitter. Criteria: ICSL Variant Classification Criteria 13 December 2019. Collection method: clinical testing. Allele origin: germline.
Comment: This variant was observed in the ICSL laboratory as part of a predisposition screen in an ostensibly healthy population. It had not been previously curated by ICSL or reported in the Human Gene Mutation Database (HGMD: prior to June 1st, 2018), and was therefore a candidate for classification through an automated scoring system. Utilizing variant allele frequency, disease prevalence and penetrance estimates, and inheritance mode, an automated score was calculated to assess if this variant is too frequent to cause the disease. Based on the score and internal cut-off values, a variant classified as likely benign is not then subjected to further curation. The score for this variant resulted in a classification of likely benign for this disease.

Illumina Laboratory Services, Illumina
Classification: Benign for Freeman-Sheldon syndrome. Last evaluated: 2018-01-13. Review status: criteria provided, single submitter. Criteria: ICSL Variant Classification Criteria 13 December 2019. Collection method: clinical testing. Allele origin: germline.
Comment: This variant was observed in the ICSL laboratory as part of a predisposition screen in an ostensibly healthy population. It had not been previously curated by ICSL or reported in the Human Gene Mutation Database (HGMD: prior to June 1st, 2018), and was therefore a candidate for classification through an automated scoring system. Utilizing variant allele frequency, disease prevalence and penetrance estimates, and inheritance mode, an automated score was calculated to assess if this variant is too frequent to cause the disease. Based on the score and internal cut-off values, a variant classified as benign is not then subjected to further curation. The score for this variant resulted in a classification of benign for this disease.

PreventionGenetics, part of Exact Sciences
Classification: Benign for MYH3-related condition. Last evaluated: 2019-02-28. Review status: no assertion criteria provided. Collection method: clinical testing. Allele origin: germline. Not counted in ClinVar's aggregate classification.
Comment: This variant is classified as benign based on ACMG/AMP sequence variant interpretation guidelines (Richards et al. 2015 PMID: 25741868, with internal and published modifications).

NM_002470.4(MYH3):c.412G>A (p.Glu138Lys)

Gene: MYH3 (myosin heavy chain 3; minus strand). Cytogenetic location: 17p13.1.
Variant type: single nucleotide variant.
Coding change: c.412G>A on transcript NM_002470.4 (MANE Select); coding-DNA position 412, G replaced by A.
Protein change: p.Glu138Lys; replaces glutamic acid 138 with lysine.
Molecular consequence: missense variant.
Genome position (GRCh38, 1-based): chr17:10,651,605, C>T on the plus strand (G>A on the coding strand, the complement: MYH3 is on the minus strand). VCF-style: chr17-10651605-C-T. GRCh37 (hg19) VCF-style: chr17-10554922-C-T.
Other names: short protein forms E138K.
Identifiers: ClinVar variation 321771 (VCV000321771.20), dbSNP rs191837780, ClinGen allele CA8393286.